The following is an entry in ClinVar:

ClinVar aggregate classification (germline): Likely pathogenic (1 of 4 stars; one submission).

Conditions:
Cardiovascular phenotype. Identifiers: MedGen CN230736.

Submission:

Ambry Genetics
Classification: Likely pathogenic for Cardiovascular phenotype. Last evaluated: 2023-12-28. Review status: criteria provided, single submitter. Criteria: Ambry Variant Classification Scheme 2023. Collection method: clinical testing. Allele origin: germline.
Comment: The p.G407C variant (also known as c.1219G>T), located in coding exon 11 of the MYH7 gene, results from a G to T substitution at nucleotide position 1219. The glycine at codon 407 is replaced by cysteine, an amino acid with highly dissimilar properties. This alteration is located in the myosin head domain, which contains a statistically significant clustering of pathogenic missense variants (Homburger JR et al. Proc Natl Acad Sci U S A, 2016 06;113:6701-6; Walsh R et al. Genet Med, 2017 02;19:192-203; Ambry internal data). This variant has been reported in individuals with hypertrophic cardiomyopathy (HCM), including segregating with disease in two families (Melacini P et al. Int J Cardiol, 2008 Aug;128:364-73; Guo Q et al. DNA Cell Biol., 2014 Oct;33:699-704; Wang B et al. Mol Med Rep, 2019 Dec;20:5229-5238). This variant is considered to be rare based on population cohorts in the Genome Aggregation Database (gnomAD). This amino acid position is highly conserved in available vertebrate species. In addition, this alteration is predicted to be deleterious by in silico analysis. Based on the majority of available evidence to date, this variant is likely to be pathogenic.

Literature cited by the submitters: PubMed 17643520; PubMed 24963656; PubMed 31638223.

NM_000257.4(MYH7):c.1219G>T (p.Gly407Cys)

Gene: MYH7 (myosin heavy chain 7; minus strand). Cytogenetic location: 14q11.2.
Variant type: single nucleotide variant.
Coding change: c.1219G>T on transcript NM_000257.4 (MANE Select); coding-DNA position 1219, G replaced by T.
Protein change: p.Gly407Cys; replaces glycine 407 with cysteine.
Molecular consequence: missense variant.
Genome position (GRCh38, 1-based): chr14:23,429,267, C>A on the plus strand (G>T on the coding strand, the complement: MYH7 is on the minus strand). VCF-style: chr14-23429267-C-A. GRCh37 (hg19) VCF-style: chr14-23898476-C-A.
Other names: c.1219G>T, p.Gly407Cys (NM_001407004.1); short protein forms G407C.
Identifiers: ClinVar variation 1752518 (VCV001752518.2), dbSNP rs1566535368, ClinGen allele CA389051099.
Genomic context (GRCh38, chr14:23,429,267, plus strand): 5'-TATCATCTGAAGATGGACCCACCTGCTGGACATTCTGCCCCTTGGTGACGTACTCATTGC[C>A]CACTTTCACCCGAGGGTGGCACAGCCCCTTGAGCAGGTCGGCTGAGTTCAGCCCCATGAG-3'
Protein context (NP_000248.2, residues 397-417): KGLCHPRVKV[Gly407Cys]NEYVTKGQNV